The following is an entry in ClinVar:

ClinVar aggregate classification (germline): Likely pathogenic (1 of 4 stars; one submission).

Conditions:
Inborn genetic diseases. Identifiers: MedGen C0950123, MeSH D030342.

Submission:

Ambry Genetics
Classification: Likely pathogenic for Inborn genetic diseases. Last evaluated: 2025-12-23. Review status: criteria provided, single submitter. Criteria: Ambry Variant Classification Scheme 2023. Collection method: clinical testing. Allele origin: germline.
Comment: The c.130del variant, located in coding exon 2 of the ETV6 gene, results from a deletion of one nucleotide at nucleotide position 130, causing a translational frameshift with a predicted alternate stop codon. This alteration is expected to result in loss of function by premature protein truncation or nonsense-mediated mRNA decay. Similar variant (c.130_131del, p.E44fs) was reported in individual(s) with features consistent with ALL (Moriyama T et al. Lancet Oncol, 2015 Dec;16:1659-66; Brady SW et al. Nat Genet, 2022 Sep;54:1376-1389). Functional study suggest p.E44fs results in expression of a shortened ETV6 protein in vitro; however, additional evidence is needed to confirm this finding (Nishii R et al. Blood, 2021 Jan;137:364-373). This variant is considered to be rare based on population cohorts in the Genome Aggregation Database (gnomAD). Based on the majority of available evidence to date, this variant is likely to be pathogenic.

Literature cited by the submitters: PubMed 26522332; PubMed 32693409; PubMed 36050548.

NM_001987.5(ETV6):c.130del (p.Glu44fs)

Gene: ETV6 (ETS variant transcription factor 6; plus strand). Cytogenetic location: 12p13.2.
Variant type: Deletion.
Coding change: c.130del on transcript NM_001987.5 (MANE Select); coding-DNA position 130, one base deleted (G; older notation c.130delG).
Protein change: p.Glu44fs; shifts the reading frame from glutamic acid 44.
Molecular consequence: frameshift variant. On other transcripts: intron variant (1).
Genome position (GRCh38, 1-based): chr12:11,752,546, G deleted; the last of 2 consecutive G bases (chr12:11,752,545-11,752,546); deleting either gives the same sequence. VCF-style (leftmost placement, unchanged base first): chr12-11752544-TG-T. GRCh37 (hg19) VCF-style: chr12-11905478-TG-T.
Other names: c.127del, p.Glu43fs (NM_001413913.1); c.103del, p.Glu35fs (NM_001413914.1); c.130del, p.Glu44fs (NM_001413916.1, NM_001413917.1, NM_001413918.1); c.130delG, p.Glu44Argfs (NM_001987.4); c.-101-86594del (NM_001413915.1); short protein forms E44fs, E35fs, E43fs.
Identifiers: ClinVar variation 4842519 (VCV004842519.1).